The following is an entry in ClinVar:

NM_182838.2(SLC35E2):c.733-162_*35907del

Genes: CDK11A (cyclin dependent kinase 11A; minus strand), SLC35E2A (solute carrier family 35 member E2A; minus strand), LOC129929146 (ATAC-STARR-seq lymphoblastoid active region 32; plus strand). Cytogenetic location: 1p36.33.
Variant type: Deletion.
Coding change: c.733-162_*35907del on transcript NM_182838.2; 162 bases into the intron before coding-DNA position 733 through 35907 bases downstream of the stop codon, this stretch deleted.
Identifiers: ClinVar variation 156724 (VCV000156724.2).

ClinVar aggregate classification (germline): not provided (0 of 4 stars; one submission).

Conditions:
Normal pregnancy. Identifiers: MedGen C0232989.

Submission:

Institute of Molecular and Cell Biology, University of Tartu
No classification provided. Condition: Normal pregnancy. Review status: no classification provided. Collection method: case-control. Allele origin: unknown. Affected: yes. Study: Kasak2014.
Comment: The study aimed to determine the contribution of copy number variants in the genetic etiology of normal and complicated pregnancies. The samples represented (i) maternal blood DNA drawn from healthy pregnant women during 1st or 2nd trimester and (ii) maternal and paternal blood DNA drawn at term pregnancy cases representing normal and complicated gestations (severe preeclampsia, PE; gestational diabetes, GD; small-for-gestational age newborn, SGA; large-for-gestational age newborn, LGA). We performed CNV calling based on genome-wide genotyping dataset (Illumina HumanOmniExpress-24-v1 BeadChip) by applying three algorithms, QuantiSNP, GADA (Genome Alteration Detection Algorithm) and CNstream in parallel. The acquired CNV calls were merged with HD-CNV (Hotspot Detector for Copy Number Variants) program and only the CNVs predicted by at least two programs, were considered in subsequent analysis.

Literature cited by the submitters: PubMed 25666259.